The following is an entry in ClinVar:

ClinVar aggregate classification (germline): Pathogenic (0 of 4 stars; one submission).

Conditions:
Fanconi anemia complementation group A (FANCA). Also called: Fanconi anemia, group A; FANCA-Related Fanconi Anemia. Identifiers: Orphanet 84, MedGen C3469521, MONDO:0009215, OMIM 227650.

Submission:

Leiden Open Variation Database
Classification: Pathogenic for Fanconi anemia complementation group A. Last evaluated: 2020-02-28. Review status: no assertion criteria provided. Collection method: curation. Allele origin: germline. Affected: yes.
Comment: Curator: Arleen D. Auerbach. Submitter to LOVD: Johan de Winter.

Literature cited by the submitters: PubMed 17924555.

NM_000135.4(FANCA):c.2827_2845dup (p.Thr949delinsSerTer)

Gene: FANCA (FA complementation group A; minus strand). Cytogenetic location: 16q24.3.
Variant type: Duplication.
Coding change: c.2827_2845dup on transcript NM_000135.4 (MANE Select); coding-DNA positions 2827 to 2845, 19 bases duplicated (GCTGATGCTCTTTCAGATA).
Protein change: p.Thr949delinsSerTer.
Molecular consequence: nonsense.
Genome position (GRCh38, 1-based): chr16:89,761,956-89,761,974, TATCTGAAAGAGCATCAGC duplicated on the plus strand (GCTGATGCTCTTTCAGATA on the coding strand, the reverse complement: FANCA is on the minus strand); duplicating any 19 consecutive bases within chr16:89,761,956-89,761,975 gives the same sequence; the c. name uses the placement nearest the transcript's 3' end. VCF-style (leftmost placement, unchanged base first): chr16-89761955-G-GTATCTGAAAGAGCATCAGC. GRCh37 (hg19) VCF-style: chr16-89828363-G-GTATCTGAAAGAGCATCAGC.
Other names: c.2827_2845dup, p.Thr949delinsSerTer (NM_001286167.3).
Identifiers: ClinVar variation 974042 (VCV000974042.1), dbSNP rs2038967521, ClinGen allele CA1139665045.
Genomic context (GRCh38, chr16:89,761,955, plus strand): 5'-GATTATAGGTGTGAGCCATCATGCCTGGCCAGGGTAGCTCTTTTCAACACTTACCGTTCA[G>GTATCTGAAAGAGCATCAGC]TATCTGAAAGAGCATCAGCTTCAGGTTGAATTTCCAGCTCCAGGTGTAACCAGTCTTGGT-3'